The following is an entry in ClinVar:

ClinVar aggregate classification (germline): Likely benign. Review status: criteria provided, multiple submitters, no conflicts (2 of 4 stars). 3 submissions from 3 submitters: Likely benign (3). Last evaluated 2025-12-02.

Conditions:
Neurofibromatosis, type 2 (SWNV). Also called: BILATERAL ACOUSTIC NEUROFIBROMATOSIS; SCHWANNOMATOSIS, VESTIBULAR; NF2-Related Schwannomatosis. Identifiers: Orphanet 637, MedGen C0027832, MONDO:0007039, OMIM 101000. Disease mechanism: loss of function.
Hereditary cancer-predisposing syndrome. Also called: Neoplastic Syndromes, Hereditary; Tumor predisposition; Hereditary Cancer Syndrome; Hereditary neoplastic syndrome. Identifiers: Orphanet 140162, MedGen C0027672, MeSH D009386, MONDO:0015356.

Allele frequency attached by ClinVar (database versions not stated): gnomAD exomes below 0.00001.
gnomAD v4.1: 2 of 1,614,142 alleles (0.00012%); highest among the groups gnomAD compares: Non-Finnish European, 0.00017%; no homozygotes.

Submissions (3):

Labcorp Genetics (formerly Invitae), Labcorp
Classification: Likely benign for Neurofibromatosis, type 2. Last evaluated: 2025-12-02. Review status: criteria provided, single submitter. Criteria: Invitae Variant Classification Sherloc (09022015). Collection method: clinical testing. Allele origin: germline.

All of Us Research Program, National Institutes of Health
Classification: Likely benign for Neurofibromatosis, type 2. Last evaluated: 2024-08-23. Review status: criteria provided, single submitter. Criteria: ACMG Guidelines, 2015. Collection method: clinical testing. Allele origin: germline. Inheritance: Autosomal dominant inheritance. Observed: 1 variant allele, 1 heterozygote.
Comment: This study involves interpretation of variants in research participants for the purpose of population health screening. Participant phenotype was not available at the time of variant classification. Additional details can be found in publication PMID: 35346344, PMCID: PMC8962531

Ambry Genetics
Classification: Likely benign for Hereditary cancer-predisposing syndrome. Last evaluated: 2023-04-24. Review status: criteria provided, single submitter. Criteria: Ambry Variant Classification Scheme 2023. Collection method: clinical testing. Allele origin: germline.

NM_000268.4(NF2):c.1059G>A (p.Arg353=)

Gene: NF2 (NF2, moesin-ezrin-radixin like (MERLIN) tumor suppressor; plus strand). Cytogenetic location: 22q12.2.
Variant type: single nucleotide variant.
Coding change: c.1059G>A on transcript NM_000268.4 (MANE Select); coding-DNA position 1059, G replaced by A.
Protein change: p.Arg353=; no amino-acid change (arginine 353 retained).
Molecular consequence: synonymous variant. On other transcripts: non-coding transcript variant (1), intron variant (1).
Genome position (GRCh38, 1-based): chr22:29,671,885, G>A. VCF-style: chr22-29671885-G-A. GRCh37 (hg19) VCF-style: chr22-30067874-G-A.
Other names: c.1059G>A, p.Arg353= (NM_016418.5, NM_181825.3, NM_181832.3); c.933G>A, p.Arg311= (NM_181828.3); c.936G>A, p.Arg312= (NM_181829.3); c.810G>A, p.Arg270= (NM_181830.3, NM_181831.3); c.448-22867G>A (NM_181833.3); c.1059G>A (NM_000268.3).
Identifiers: ClinVar variation 1084140 (VCV001084140.12), dbSNP rs1379674036, ClinGen allele CA514184873.